The following is an entry in ClinVar:

NM_001378778.1(MPDZ):c.1546+5A>G

Gene: MPDZ (multiple PDZ domain crumbs cell polarity complex component; minus strand). Cytogenetic location: 9p23.
Variant type: single nucleotide variant.
Coding change: c.1546+5A>G on transcript NM_001378778.1 (MANE Select); 5 bases into the intron after coding-DNA position 1546, A replaced by G.
Molecular consequence: intron variant.
Genome position (GRCh38, 1-based): chr9:13,205,031, T>C on the plus strand (A>G on the coding strand, the complement: MPDZ is on the minus strand). VCF-style: chr9-13205031-T-C. GRCh37 (hg19) VCF-style: chr9-13205030-T-C.
Other names: c.1546+5A>G (NM_001375425.1, NM_001375420.1, NM_001375419.1 and 14 more transcripts).
Identifiers: ClinVar variation 1465464 (VCV001465464.6), dbSNP rs1405737942, ClinGen allele CA586225523.

ClinVar aggregate classification (germline): Uncertain significance (1 of 4 stars; one submission).

Allele frequency attached by ClinVar (database versions not stated): gnomAD exomes below 0.00001 and 0.00001; gnomAD 0.00001; TOPMed 0.00001.
gnomAD v4.1: 4 of 1,446,732 alleles (0.00028%); highest among the groups gnomAD compares: East Asian, 0.0027%; no homozygotes.

Submission:

Labcorp Genetics (formerly Invitae), Labcorp
Classification: Uncertain significance. Last evaluated: 2023-07-03. Review status: criteria provided, single submitter. Criteria: Invitae Variant Classification Sherloc (09022015). Collection method: clinical testing. Allele origin: germline.
Comment: In summary, the available evidence is currently insufficient to determine the role of this variant in disease. Therefore, it has been classified as a Variant of Uncertain Significance. Variants that disrupt the consensus splice site are a relatively common cause of aberrant splicing (PMID: 17576681, 9536098). Algorithms developed to predict the effect of sequence changes on RNA splicing suggest that this variant is not likely to affect RNA splicing. ClinVar contains an entry for this variant (Variation ID: 1465464). This variant has not been reported in the literature in individuals affected with MPDZ-related conditions. The frequency data for this variant in the population databases is considered unreliable, as metrics indicate poor data quality at this position in the gnomAD database. This sequence change falls in intron 12 of the MPDZ gene. It does not directly change the encoded amino acid sequence of the MPDZ protein. It affects a nucleotide within the consensus splice site.

Literature cited by the submitters: PubMed 17576681; PubMed 9536098.